The following is an entry in ClinVar:

NM_020117.11(LARS1):c.2219G>A (p.Arg740His)

Gene: LARS1 (leucyl-tRNA synthetase 1; minus strand). Cytogenetic location: 5q32.
Variant type: single nucleotide variant.
Coding change: c.2219G>A on transcript NM_020117.11 (MANE Select); coding-DNA position 2219, G replaced by A.
Protein change: p.Arg740His; replaces arginine 740 with histidine.
Molecular consequence: missense variant.
Genome position (GRCh38, 1-based): chr5:146,133,075, C>T on the plus strand (G>A on the coding strand, the complement: LARS1 is on the minus strand). VCF-style: chr5-146133075-C-T. GRCh37 (hg19) VCF-style: chr5-145512638-C-T.
Other names: c.2081G>A, p.Arg694His (NM_001317964.2); c.2057G>A, p.Arg686His (NM_001317965.2); c.2138G>A, p.Arg713His (NM_016460.4); short protein forms R686H, R694H, R713H, R740H.
Identifiers: ClinVar variation 2637075 (VCV002637075.1), dbSNP rs765545630, ClinGen allele CA361605679.

ClinVar aggregate classification (germline): Uncertain significance (1 of 4 stars; one submission).

Conditions:
LARS1-related disorder. Also called: LARS1-related condition.

gnomAD v4.1: 16 of 1,611,082 alleles (0.00099%); highest among the groups gnomAD compares: Non-Finnish European, 0.0013%; no homozygotes.

Submission:

PreventionGenetics, part of Exact Sciences
Classification: Uncertain significance for LARS1-related condition. Last evaluated: 2022-09-13. Review status: criteria provided, single submitter. Criteria: ACMG Guidelines, 2015. Collection method: clinical testing. Allele origin: germline.
Comment: The LARS1 c.2219G>A variant is predicted to result in the amino acid substitution p.Arg740His. To our knowledge, this variant has not been reported in the literature or in a large population database, indicating this variant is rare. At this time, the clinical significance of this variant is uncertain due to the absence of conclusive functional and genetic evidence.